The following is an entry in ClinVar:

NM_152703.5(SAMD9L):c.1273C>T (p.His425Tyr)

Gene: SAMD9L (sterile alpha motif domain containing 9 like; minus strand). Cytogenetic location: 7q21.2.
Variant type: single nucleotide variant.
Coding change: c.1273C>T on transcript NM_152703.5 (MANE Select); coding-DNA position 1273, C replaced by T.
Protein change: p.His425Tyr; replaces histidine 425 with tyrosine.
Molecular consequence: missense variant.
Genome position (GRCh38, 1-based): chr7:93,134,699, G>A on the plus strand (C>T on the coding strand, the complement: SAMD9L is on the minus strand). VCF-style: chr7-93134699-G-A. GRCh37 (hg19) VCF-style: chr7-92764012-G-A.
Other names: c.1273C>T (NM_152703.2); c.1273C>T, p.His425Tyr (NM_001303496.3, NM_001303497.3, NM_001303498.3 and 5 more transcripts); short protein forms H425Y.
Identifiers: ClinVar variation 2055981 (VCV002055981.5), dbSNP rs1365460279, ClinGen allele CA368197813.
Genomic context (GRCh38, chr7:93,134,699, plus strand): 5'-CCAACACAGCAAACCATTTAATTTCTTTTAAAAAATCTAAGTGCTTTATTTGGTTTGGAT[G>A]GCATTTATTTGTTACAAGAATGTACCAGTCATAGTATGAATTATCCAGTGAGTCTCGGTT-3'
Protein context (NP_689916.2, residues 415-435): DWYILVTNKC[His425Tyr]PNQIKHLDFL

ClinVar aggregate classification (germline): Uncertain significance. Review status: criteria provided, multiple submitters, no conflicts (2 of 4 stars). 2 submissions from 2 submitters: Uncertain significance (2). Last evaluated 2024-12-08.

Conditions:
Inborn genetic diseases. Identifiers: MedGen C0950123, MeSH D030342.

Allele frequency attached by ClinVar (database versions not stated): gnomAD exomes below 0.00001; TOPMed below 0.00001.
gnomAD v4.1: 3 of 1,613,480 alleles (0.00019%); highest among the groups gnomAD compares: Non-Finnish European, 0.00017%; no homozygotes.

Submissions (2):

Ambry Genetics
Classification: Uncertain significance for Inborn genetic diseases. Last evaluated: 2024-12-08. Review status: criteria provided, single submitter. Criteria: Ambry Variant Classification Scheme 2023. Collection method: clinical testing. Allele origin: germline.
Comment: The p.H425Y variant (also known as c.1273C>T), located in coding exon 1 of the SAMD9L gene, results from a C to T substitution at nucleotide position 1273. The histidine at codon 425 is replaced by tyrosine, an amino acid with similar properties. This amino acid position is conserved. In addition, this alteration is predicted to be tolerated by in silico analysis. Based on the available evidence, the clinical significance of this variant remains unclear.

Labcorp Genetics (formerly Invitae), Labcorp
Classification: Uncertain significance. Last evaluated: 2023-06-15. Review status: criteria provided, single submitter. Criteria: Invitae Variant Classification Sherloc (09022015). Collection method: clinical testing. Allele origin: germline.
Comment: This sequence change replaces histidine, which is basic and polar, with tyrosine, which is neutral and polar, at codon 425 of the SAMD9L protein (p.His425Tyr). This variant is not present in population databases (gnomAD no frequency). In summary, the available evidence is currently insufficient to determine the role of this variant in disease. Therefore, it has been classified as a Variant of Uncertain Significance. Advanced modeling of protein sequence and biophysical properties (such as structural, functional, and spatial information, amino acid conservation, physicochemical variation, residue mobility, and thermodynamic stability) performed at Invitae indicates that this missense variant is not expected to disrupt SAMD9L protein function. ClinVar contains an entry for this variant (Variation ID: 2055981). This variant has not been reported in the literature in individuals affected with SAMD9L-related conditions.